The following is an entry in ClinVar:

NM_080605.4(B3GALT6):c.687C>T (p.Arg229=)

Gene: B3GALT6 (beta-1,3-galactosyltransferase 6; plus strand). Cytogenetic location: 1p36.33.
Variant type: single nucleotide variant.
Coding change: c.687C>T on transcript NM_080605.4 (MANE Select); coding-DNA position 687, C replaced by T.
Protein change: p.Arg229=; no amino-acid change (arginine 229 retained).
Molecular consequence: synonymous variant.
Genome position (GRCh38, 1-based): chr1:1,232,965, C>T. VCF-style: chr1-1232965-C-T. GRCh37 (hg19) VCF-style: chr1-1168345-C-T.
Other names: p.Arg229=.
Identifiers: ClinVar variation 2191012 (VCV002191012.7), dbSNP rs769070902, ClinGen allele CA513424.

ClinVar aggregate classification (germline): Likely benign. Review status: criteria provided, multiple submitters, no conflicts (2 of 4 stars). 4 submissions from 4 submitters: Likely benign (4). Last evaluated 2026-06-29.

Conditions:
Ehlers-Danlos syndrome, spondylodysplastic type, 2 (EDSSPD2). Also called: Ehlers-Danlos syndrome, progeroid type, 2. Identifiers: Orphanet 536467, Orphanet 75496, MedGen C3809210, MONDO:0014139, OMIM 615349.
Spondyloepimetaphyseal dysplasia with joint laxity (SEMDJL). Identifiers: MedGen C0432243, MONDO:0019675.

Allele frequency attached by ClinVar (database versions not stated): gnomAD 0.00002; TOPMed 0.00002; gnomAD exomes 0.00006; ExAC 0.00011.
gnomAD v4.1: 90 of 1,563,322 alleles (0.0058%); highest among the groups gnomAD compares: Non-Finnish European, 0.0072%; no homozygotes.

Submissions (4):

Women's Health and Genetics/Laboratory Corporation of America, LabCorp
Classification: Likely benign. Last evaluated: 2026-06-29. Review status: criteria provided, single submitter. Criteria: LabCorp Variant Classification Summary - May 2015. Collection method: clinical testing. Allele origin: germline.

Labcorp Genetics (formerly Invitae), Labcorp
Classification: Likely benign for Ehlers-Danlos syndrome, spondylodysplastic type, 2; Spondyloepimetaphyseal dysplasia with joint laxity. Last evaluated: 2025-10-20. Review status: criteria provided, single submitter. Criteria: Invitae Variant Classification Sherloc (09022015). Collection method: clinical testing. Allele origin: germline.

Mayo Clinic Laboratories, Mayo Clinic
Classification: Likely benign. Last evaluated: 2025-04-11. Review status: criteria provided, single submitter. Criteria: ACMG Guidelines, 2015. Collection method: clinical testing. Allele origin: germline. Observed: 4 variant alleles.
Comment: BP4, BP7

Blueprint Genetics
Classification: Likely benign. Last evaluated: 2024-09-24. Review status: criteria provided, single submitter. Criteria: ACMG Guidelines, 2015. Collection method: clinical testing. Allele origin: germline.